The following is an entry in ClinVar:

ClinVar aggregate classification (germline): Conflicting classifications of pathogenicity. Review status: criteria provided, conflicting classifications (1 of 4 stars). 4 submissions from 4 submitters: Uncertain significance (2); Likely benign (2). Last evaluated 2026-07-01.

Conditions:
TTN-related disorder. Also called: TTN-related disorders; TTN-related condition; TTN-related disease.
Dilated cardiomyopathy 1G (CMD1G). Identifiers: Orphanet 154, MedGen C1858763, MONDO:0011400, OMIM 604145.
Autosomal recessive limb-girdle muscular dystrophy type 2J (LGMDR10). Also called: MUSCULAR DYSTROPHY, LIMB-GIRDLE, AUTOSOMAL RECESSIVE 10; Limb-girdle muscular dystrophy, type 2J. Identifiers: Orphanet 140922, MedGen C1837342, MONDO:0012127, OMIM 608807.

Allele frequency attached by ClinVar (database versions not stated): gnomAD below 0.00001 and 0.00003; ExAC 0.00010; gnomAD exomes 0.00012; 1000 Genomes Project 30x 0.00016; 1000 Genomes Project 0.00020.

Submissions (4):

CeGaT Center for Human Genetics Tuebingen
Classification: Likely benign. Last evaluated: 2026-07-01. Review status: criteria provided, single submitter. Criteria: CeGaT Center For Human Genetics Tuebingen Variant Classification Criteria Version 2. Collection method: clinical testing. Allele origin: germline. Affected: yes. Observed: 2 variant alleles.
Comment: TTN: BP4

Labcorp Genetics (formerly Invitae), Labcorp
Classification: Likely benign for Dilated cardiomyopathy 1G; Autosomal recessive limb-girdle muscular dystrophy type 2J. Last evaluated: 2026-02-01. Review status: criteria provided, single submitter. Criteria: Invitae Variant Classification Sherloc (09022015). Collection method: clinical testing. Allele origin: germline.

PreventionGenetics, part of Exact Sciences
Classification: Uncertain significance for TTN-related condition. Last evaluated: 2025-06-20. Review status: criteria provided, single submitter. Criteria: ACMG Guidelines, 2015. Collection method: clinical testing. Allele origin: germline.
Comment: The TTN c.2218C>A variant is predicted to result in the amino acid substitution p.Arg740Ser. To our knowledge, this variant has not been reported in the literature. This variant is reported in 0.095% of alleles in individuals of South Asian descent in gnomAD. Although we suspect that this variant may be benign, at this time, the clinical significance of this variant is uncertain due to the absence of conclusive functional and genetic evidence.

Eurofins Ntd Llc (ga)
Classification: Uncertain significance. Last evaluated: 2015-09-03. Review status: criteria provided, single submitter. Criteria: EGL Classification Definitions 2015. Collection method: clinical testing. Allele origin: germline. Observed: 1 variant allele, 1 heterozygote.

NM_001267550.2(TTN):c.2218C>A (p.Arg740Ser)

Gene: TTN (titin; minus strand). Cytogenetic location: 2q31.2.
Variant type: single nucleotide variant.
Coding change: c.2218C>A on transcript NM_001267550.2 (MANE Select); coding-DNA position 2218, C replaced by A.
Protein change: p.Arg740Ser; replaces arginine 740 with serine.
Molecular consequence: missense variant.
Genome position (GRCh38, 1-based): chr2:178,786,000, G>T on the plus strand (C>A on the coding strand, the complement: TTN is on the minus strand). VCF-style: chr2-178786000-G-T. GRCh37 (hg19) VCF-style: chr2-179650727-G-T.
Other names: c.2218C>A, p.Arg740Ser (NM_001256850.1, NM_133378.4, NM_133379.5); c.2080C>A, p.Arg694Ser (NM_003319.4, NM_133432.3, NM_133437.4); short protein forms R740S, R694S.
Identifiers: ClinVar variation 282656 (VCV000282656.36), dbSNP rs566299753, ClinGen allele CA2005875.